The following is an entry in ClinVar:

NM_000632.4(ITGAM):c.1885A>T (p.Arg629Trp)

Gene: ITGAM (integrin subunit alpha M; plus strand). Cytogenetic location: 16p11.2.
Variant type: single nucleotide variant.
Coding change: c.1885A>T on transcript NM_000632.4 (MANE Select); coding-DNA position 1885, A replaced by T.
Protein change: p.Arg629Trp; replaces arginine 629 with tryptophan.
Molecular consequence: missense variant.
Genome position (GRCh38, 1-based): chr16:31,321,510, A>T. VCF-style: chr16-31321510-A-T. GRCh37 (hg19) VCF-style: chr16-31332831-A-T.
Other names: c.1888A>T, p.Arg630Trp (NM_001145808.2); short protein forms R629W, R630W.
Identifiers: ClinVar variation 3619129 (VCV003619129.2).
Genomic context (GRCh38, chr16:31,321,510, plus strand): 5'-TGGTGTCCCTTTAGGTCCCAGCCAGTACTGAGAGTCAAGGCAATCATGGAGTTCAATCCC[A>T]GGGAAGTGGCAAGGAATGTATTTGAGTGTAATGATCAGGTGGTGAAAGGCAAGGAAGCCG-3'
Protein context (NP_000623.2, residues 619-639): RVKAIMEFNP[Arg629Trp]EVARNVFECN

ClinVar aggregate classification (germline): Uncertain significance (1 of 4 stars; one submission).

Submission:

Labcorp Genetics (formerly Invitae), Labcorp
Classification: Uncertain significance. Last evaluated: 2024-12-05. Review status: criteria provided, single submitter. Criteria: Invitae Variant Classification Sherloc (09022015). Collection method: clinical testing. Allele origin: germline.
Comment: This sequence change replaces arginine, which is basic and polar, with tryptophan, which is neutral and slightly polar, at codon 629 of the ITGAM protein (p.Arg629Trp). This variant is not present in population databases (gnomAD no frequency). This variant has not been reported in the literature in individuals affected with ITGAM-related conditions. An algorithm developed to predict the effect of missense changes on protein structure and function (PolyPhen-2) suggests that this variant is likely to be disruptive. In summary, the available evidence is currently insufficient to determine the role of this variant in disease. Therefore, it has been classified as a Variant of Uncertain Significance.